The following is an entry in ClinVar:

ClinVar aggregate classification (germline): Uncertain significance (1 of 4 stars; one submission).

Allele frequency attached by ClinVar (database versions not stated): gnomAD exomes below 0.00001; gnomAD 0.00001.
gnomAD v4.1: 3 of 1,613,568 alleles (0.00019%); highest among the groups gnomAD compares: Non-Finnish European, 0.00025%; no homozygotes.

Submission:

Labcorp Genetics (formerly Invitae), Labcorp
Classification: Uncertain significance. Last evaluated: 2025-05-16. Review status: criteria provided, single submitter. Criteria: Invitae Variant Classification Sherloc (09022015). Collection method: clinical testing. Allele origin: germline.
Comment: This sequence change replaces serine, which is neutral and polar, with threonine, which is neutral and polar, at codon 279 of the TMEM38B protein (p.Ser279Thr). This variant is present in population databases (no rsID available, gnomAD 0.0009%). This variant has not been reported in the literature in individuals affected with TMEM38B-related conditions. ClinVar contains an entry for this variant (Variation ID: 1976549). An algorithm developed to predict the effect of missense changes on protein structure and function (PolyPhen-2) suggests that this variant is likely to be tolerated. In summary, the available evidence is currently insufficient to determine the role of this variant in disease. Therefore, it has been classified as a Variant of Uncertain Significance.

NM_018112.3(TMEM38B):c.835T>A (p.Ser279Thr)

Gene: TMEM38B (transmembrane protein 38B; plus strand). Cytogenetic location: 9q31.2.
Variant type: single nucleotide variant.
Coding change: c.835T>A on transcript NM_018112.3 (MANE Select); coding-DNA position 835, T replaced by A.
Protein change: p.Ser279Thr; replaces serine 279 with threonine.
Molecular consequence: missense variant.
Genome position (GRCh38, 1-based): chr9:105,774,039, T>A. VCF-style: chr9-105774039-T-A. GRCh37 (hg19) VCF-style: chr9-108536320-T-A.
Other names: short protein forms S279T.
Identifiers: ClinVar variation 1976549 (VCV001976549.5), dbSNP rs1431837381, ClinGen allele CA374379266.